The following is an entry in ClinVar:

ClinVar aggregate classification (germline): Uncertain significance (1 of 4 stars; one submission).

Submission:

Labcorp Genetics (formerly Invitae), Labcorp
Classification: Uncertain significance. Last evaluated: 2021-07-26. Review status: criteria provided, single submitter. Criteria: Invitae Variant Classification Sherloc (09022015). Collection method: clinical testing. Allele origin: germline.
Comment: This variant is not present in population databases (ExAC no frequency). This variant has not been reported in the literature in individuals affected with CACNA1G-related conditions. Advanced modeling of protein sequence and biophysical properties (such as structural, functional, and spatial information, amino acid conservation, physicochemical variation, residue mobility, and thermodynamic stability) performed at Invitae indicates that this missense variant is not expected to disrupt CACNA1G protein function. In summary, the available evidence is currently insufficient to determine the role of this variant in disease. Therefore, it has been classified as a Variant of Uncertain Significance. This sequence change replaces lysine with asparagine at codon 804 of the CACNA1G protein (p.Lys804Asn). The lysine residue is highly conserved and there is a moderate physicochemical difference between lysine and asparagine.

NM_018896.5(CACNA1G):c.2412G>T (p.Lys804Asn)

Gene: CACNA1G (calcium voltage-gated channel subunit alpha1 G; plus strand). Cytogenetic location: 17q21.33.
Variant type: single nucleotide variant.
Coding change: c.2412G>T on transcript NM_018896.5 (MANE Select); coding-DNA position 2412, G replaced by T.
Protein change: p.Lys804Asn; replaces lysine 804 with asparagine.
Molecular consequence: missense variant. On other transcripts: non-coding transcript variant (5).
Genome position (GRCh38, 1-based): chr17:50,590,581, G>T. VCF-style: chr17-50590581-G-T. GRCh37 (hg19) VCF-style: chr17-48667942-G-T.
Other names: c.2412G>T, p.Lys804Asn (NM_001256324.2, NM_001256325.2, NM_001256326.2 and 24 more transcripts); short protein forms K804N.
Identifiers: ClinVar variation 1369897 (VCV001369897.8), dbSNP rs2145461837, ClinGen allele CA400248045.